The following is an entry in ClinVar:

NM_031935.3(HMCN1):c.8014G>A (p.Gly2672Arg)

Gene: HMCN1 (hemicentin 1; plus strand). Cytogenetic location: 1q31.1.
Variant type: single nucleotide variant.
Coding change: c.8014G>A on transcript NM_031935.3 (MANE Select); coding-DNA position 8014, G replaced by A.
Protein change: p.Gly2672Arg; replaces glycine 2672 with arginine.
Molecular consequence: missense variant.
Genome position (GRCh38, 1-based): chr1:186,070,632, G>A. VCF-style: chr1-186070632-G-A. GRCh37 (hg19) VCF-style: chr1-186039764-G-A.
Other names: short protein forms G2672R.
Identifiers: ClinVar variation 3654491 (VCV003654491.2).

ClinVar aggregate classification (germline): Uncertain significance (1 of 4 stars; one submission).

Submission:

Labcorp Genetics (formerly Invitae), Labcorp
Classification: Uncertain significance. Last evaluated: 2024-05-31. Review status: criteria provided, single submitter. Criteria: Invitae Variant Classification Sherloc (09022015). Collection method: clinical testing. Allele origin: germline.
Comment: This sequence change replaces glycine, which is neutral and non-polar, with arginine, which is basic and polar, at codon 2672 of the HMCN1 protein (p.Gly2672Arg). This variant is not present in population databases (gnomAD no frequency). This variant has not been reported in the literature in individuals affected with HMCN1-related conditions. Algorithms developed to predict the effect of missense changes on protein structure and function output the following: SIFT: "Not Available"; PolyPhen-2: "Benign"; Align-GVGD: "Not Available". The arginine amino acid residue is found in multiple mammalian species, which suggests that this missense change does not adversely affect protein function. In summary, the available evidence is currently insufficient to determine the role of this variant in disease. Therefore, it has been classified as a Variant of Uncertain Significance.